The following is an entry in ClinVar:

ClinVar aggregate classification (germline): Pathogenic (1 of 4 stars; one submission).

Submission:

GeneDx
Classification: Pathogenic. Last evaluated: 2017-12-11. Review status: criteria provided, single submitter. Criteria: GeneDx Variant Classification (06012015). Collection method: clinical testing. Allele origin: germline. Affected: yes.
Comment: The c.4429_4430delCCinsT variant in the AHDC1 gene has not been reported previously as a pathogenic variant nor as a benign variant, to our knowledge. The c.4429_4430delCCinsT variantcauses a frameshift starting with codon Proline 1477, changes this amino acid to a Cysteine residue,and creates a premature Stop codon at position 70 of the new reading frame, denoted p.Pro1477CysfsX70. This variant is predicted to cause loss of normal protein function through protein truncation. The c.4429_4430delCCinsT variant is not observed in large population cohorts (Lek et al., 2016). We interpret c.4429_4430delCCinsT as a pathogenic variant.

NM_001371928.1(AHDC1):c.4429_4430delinsT (p.Pro1477fs)

Gene: AHDC1 (AT-hook DNA binding motif containing 1; minus strand). Cytogenetic location: 1p36.11.
Variant type: Indel.
Coding change: c.4429_4430delinsT on transcript NM_001371928.1 (MANE Select); coding-DNA positions 4429 to 4430, CC replaced by T.
Protein change: p.Pro1477fs; shifts the reading frame from proline 1477.
Molecular consequence: frameshift variant.
Genome position (GRCh38, 1-based): chr1:27,547,686-27,547,687, GG replaced by A on the plus strand (CC replaced by T on the coding strand, the reverse complement: AHDC1 is on the minus strand). VCF-style: chr1-27547686-GG-A. GRCh37 (hg19) VCF-style: chr1-27874197-GG-A.
Other names: c.4429_4430delinsT, p.Pro1477fs (NM_001029882.3); short protein forms P1477fs.
Identifiers: ClinVar variation 503934 (VCV000503934.1), dbSNP rs1553157912, ClinGen allele CA658795423.